The following is an entry in ClinVar:

NM_020297.4(ABCC9):c.2642G>T (p.Trp881Leu)

Gene: ABCC9 (ATP binding cassette subfamily C member 9; minus strand). Cytogenetic location: 12p12.1.
Variant type: single nucleotide variant.
Coding change: c.2642G>T on transcript NM_020297.4 (MANE Select); coding-DNA position 2642, G replaced by T.
Protein change: p.Trp881Leu; replaces tryptophan 881 with leucine.
Molecular consequence: missense variant.
Genome position (GRCh38, 1-based): chr12:21,852,369, C>A on the plus strand (G>T on the coding strand, the complement: ABCC9 is on the minus strand). VCF-style: chr12-21852369-C-A. GRCh37 (hg19) VCF-style: chr12-22005303-C-A.
Other names: c.2642G>T, p.Trp881Leu (NM_005691.4, NM_001377273.1); c.1775G>T, p.Trp592Leu (NM_001377274.1); short protein forms W881L, W592L.
Identifiers: ClinVar variation 2708134 (VCV002708134.3), dbSNP rs1945012958, ClinGen allele CA384124497.

ClinVar aggregate classification (germline): Uncertain significance (1 of 4 stars; one submission).

Conditions:
Dilated cardiomyopathy 1O (CMD1O). Also called: CARDIOMYOPATHY, DILATED, WITH VENTRICULAR TACHYCARDIA. Identifiers: Orphanet 154, MedGen C1837839, MONDO:0012062, OMIM 608569.

Submission:

Labcorp Genetics (formerly Invitae), Labcorp
Classification: Uncertain significance for Dilated cardiomyopathy 1O. Last evaluated: 2024-01-07. Review status: criteria provided, single submitter. Criteria: Invitae Variant Classification Sherloc (09022015). Collection method: clinical testing. Allele origin: germline.
Comment: This sequence change replaces tryptophan, which is neutral and slightly polar, with leucine, which is neutral and non-polar, at codon 881 of the ABCC9 protein (p.Trp881Leu). This variant is not present in population databases (gnomAD no frequency). This variant has not been reported in the literature in individuals affected with ABCC9-related conditions. An algorithm developed to predict the effect of missense changes on protein structure and function (PolyPhen-2) suggests that this variant is likely to be tolerated. In summary, the available evidence is currently insufficient to determine the role of this variant in disease. Therefore, it has been classified as a Variant of Uncertain Significance.